The following is an entry in ClinVar:

NM_001364171.2(ODAD1):c.521C>T (p.Ala174Val)

Gene: ODAD1 (outer dynein arm docking complex subunit 1; minus strand). Cytogenetic location: 19q13.33.
Variant type: single nucleotide variant.
Coding change: c.521C>T on transcript NM_001364171.2 (MANE Select); coding-DNA position 521, C replaced by T.
Protein change: p.Ala174Val; replaces alanine 174 with valine.
Molecular consequence: missense variant.
Genome position (GRCh38, 1-based): chr19:48,311,629, G>A on the plus strand (C>T on the coding strand, the complement: ODAD1 is on the minus strand). VCF-style: chr19-48311629-G-A. GRCh37 (hg19) VCF-style: chr19-48814886-G-A.
Other names: p.Ala137Val; c.410C>T, p.Ala137Val (NM_144577.4); c.410C>T (NM_144577.3); short protein forms A137V, A174V.
Identifiers: ClinVar variation 1682891 (VCV001682891.8), dbSNP rs868114984, ClinGen allele CA309310967.

ClinVar aggregate classification (germline): Uncertain significance. Review status: criteria provided, multiple submitters, no conflicts (2 of 4 stars). 4 submissions from 4 submitters: Uncertain significance (4). Last evaluated 2025-03-26.

Conditions:
Primary ciliary dyskinesia. Also called: Ciliary dyskinesia. Identifiers: Orphanet 244, MedGen C0008780, MONDO:0016575, HP:0012265.

Allele frequency attached by ClinVar (database versions not stated): gnomAD 0.00001; gnomAD exomes 0.00001 and 0.00003; TOPMed 0.00002.
gnomAD v4.1: 17 of 1,550,422 alleles (0.0011%); highest among the groups gnomAD compares: Admixed American, 0.0059%; no homozygotes.

Submissions (4):

Mayo Clinic Laboratories, Mayo Clinic
Classification: Uncertain significance. Last evaluated: 2025-03-26. Review status: criteria provided, single submitter. Criteria: ACMG Guidelines, 2015. Collection method: clinical testing. Allele origin: germline. Observed: 1 variant allele.

Labcorp Genetics (formerly Invitae), Labcorp
Classification: Uncertain significance for Primary ciliary dyskinesia. Last evaluated: 2024-11-05. Review status: criteria provided, single submitter. Criteria: Invitae Variant Classification Sherloc (09022015). Collection method: clinical testing. Allele origin: germline.
Comment: This sequence change replaces alanine, which is neutral and non-polar, with valine, which is neutral and non-polar, at codon 137 of the CCDC114 protein (p.Ala137Val). The frequency data for this variant in the population databases is considered unreliable, as metrics indicate poor data quality at this position in the gnomAD database. This variant has not been reported in the literature in individuals affected with CCDC114-related conditions. ClinVar contains an entry for this variant (Variation ID: 1682891). An algorithm developed to predict the effect of missense changes on protein structure and function (PolyPhen-2) suggests that this variant is likely to be disruptive. In summary, the available evidence is currently insufficient to determine the role of this variant in disease. Therefore, it has been classified as a Variant of Uncertain Significance.

Ambry Genetics
Classification: Uncertain significance for Primary ciliary dyskinesia. Last evaluated: 2022-10-25. Review status: criteria provided, single submitter. Criteria: Ambry Variant Classification Scheme 2023. Collection method: clinical testing. Allele origin: germline.

Breakthrough Genomics
Classification: Uncertain significance. Review status: criteria provided, single submitter. Criteria: ACMG Guidelines, 2015. Collection method: not provided. Allele origin: germline. Inheritance: Autosomal dominant inheritance. Affected: yes.